The following is an entry in ClinVar:

NM_213595.4(ISCU):c.102C>T (p.Leu34=)

Genes: ISCU (iron-sulfur cluster assembly enzyme; plus strand), LOC130008688 (ATAC-STARR-seq lymphoblastoid silent region 4828; plus strand). Cytogenetic location: 12q23.3.
Variant type: single nucleotide variant.
Coding change: c.102C>T on transcript NM_213595.4 (MANE Select); coding-DNA position 102, C replaced by T.
Protein change: p.Leu34=; no amino-acid change (leucine 34 retained).
Molecular consequence: synonymous variant. On other transcripts: 5 prime UTR variant (1), non-coding transcript variant (1).
Genome position (GRCh38, 1-based): chr12:108,562,724, C>T. VCF-style: chr12-108562724-C-T. GRCh37 (hg19) VCF-style: chr12-108956500-C-T.
Other names: c.102C>T, p.Leu34= (NM_001301140.1, NM_001301141.1, NM_001320042.1); c.-70C>T (NM_014301.4); c.102C>T (NM_213595.3).
Identifiers: ClinVar variation 4798594 (VCV004798594.2).

ClinVar aggregate classification (germline): Likely benign. Review status: criteria provided, multiple submitters, no conflicts (2 of 4 stars). 2 submissions from 2 submitters: Likely benign (2). Last evaluated 2026-06-23.

Conditions:
ISCU-related disorder. Also called: ISCU-related condition.

Submissions (2):

PreventionGenetics, part of Exact Sciences
Classification: Likely benign for ISCU-related condition. Last evaluated: 2026-06-23. Review status: criteria provided, single submitter. Criteria: ACMG Guidelines, 2015. Collection method: clinical testing. Allele origin: germline.
Comment: This variant is classified as likely benign based on ACMG/AMP sequence variant interpretation guidelines (Richards et al. 2015 PMID: 25741868, with internal and published modifications).

Labcorp Genetics (formerly Invitae), Labcorp
Classification: Likely benign. Last evaluated: 2025-11-20. Review status: criteria provided, single submitter. Criteria: Invitae Variant Classification Sherloc (09022015). Collection method: clinical testing. Allele origin: germline.